The following is an entry in ClinVar:

ClinVar aggregate classification (germline): Uncertain significance (1 of 4 stars; one submission).

Conditions:
Progressive sclerosing poliodystrophy (MTDPS4A). Also called: ALPERS PROGRESSIVE INFANTILE POLIODYSTROPHY; NEURONAL DEGENERATION OF CHILDHOOD WITH LIVER DISEASE, PROGRESSIVE; Mitochondrial DNA Depletion Syndrome 4A; Alpers Syndrome; ALPERS DIFFUSE DEGENERATION OF CEREBRAL GRAY MATTER WITH HEPATIC CIRRHOSIS; Alpers-Huttenlocher Syndrome. Identifiers: Orphanet 726, MedGen C0205710, MONDO:0008758, OMIM 203700.

Submission:

Labcorp Genetics (formerly Invitae), Labcorp
Classification: Uncertain significance for Progressive sclerosing poliodystrophy. Last evaluated: 2025-05-07. Review status: criteria provided, single submitter. Criteria: Invitae Variant Classification Sherloc (09022015). Collection method: clinical testing. Allele origin: germline.
Comment: This variant, c.2496_2498del, results in the deletion of 1 amino acid(s) of the POLG protein (p.Asp832del), but otherwise preserves the integrity of the reading frame. This variant is not present in population databases (gnomAD no frequency). This variant has not been reported in the literature in individuals affected with POLG-related conditions. Experimental studies and prediction algorithms are not available or were not evaluated, and the functional significance of this variant is currently unknown. In summary, the available evidence is currently insufficient to determine the role of this variant in disease. Therefore, it has been classified as a Variant of Uncertain Significance.

NM_002693.3(POLG):c.2493TGA[1] (p.Asp832del)

Gene: POLG (DNA polymerase gamma, catalytic subunit; minus strand). Cytogenetic location: 15q26.1.
Variant type: Microsatellite.
Coding change: c.2493TGA[1] on transcript NM_002693.3 (MANE Select); one copy of the 3-base unit TGA starting at c.2493; the reference has two copies in a row; one copy, 3 bases deleted.
Protein change: p.Asp832del; deletes aspartic acid 832.
Genome position (GRCh38, 1-based): chr15:89,321,836-89,321,838, TCA deleted on the plus strand (TGA on the coding strand, the reverse complement: POLG is on the minus strand); deleting any 3 consecutive bases within chr15:89,321,836-89,321,842 gives the same sequence; the position shown is the placement nearest the transcript's 3' end. VCF-style (leftmost placement, unchanged base first): chr15-89321835-CTCA-C. GRCh37 (hg19) VCF-style: chr15-89865066-CTCA-C.
Other names: c.2493TGA[1], p.Asp832del (NM_001126131.2); short protein forms D832del.
Identifiers: ClinVar variation 4805697 (VCV004805697.1).
Genomic context (GRCh38, chr15:89,321,835, plus strand): 5'-CCGGCGAGTGATGGTGCCGGCAGTCACCACTTGGGGCAGGATGGCCCCATAGAGGCCTTC[CTCA>C]TCATAGTCGGGGTGCCTGGTGGGGTGCAGGGGAAGGAAATGGGTCTTAGCAGGGTGCTTT-3'